The following is an entry in ClinVar:

NM_005732.4(RAD50):c.2287C>A (p.Arg763Ser)

Gene: RAD50 (RAD50 double strand break repair protein; plus strand). Cytogenetic location: 5q31.1.
Variant type: single nucleotide variant.
Coding change: c.2287C>A on transcript NM_005732.4 (MANE Select); coding-DNA position 2287, C replaced by A.
Protein change: p.Arg763Ser; replaces arginine 763 with serine.
Molecular consequence: missense variant.
Genome position (GRCh38, 1-based): chr5:132,603,379, C>A. VCF-style: chr5-132603379-C-A. GRCh37 (hg19) VCF-style: chr5-131939071-C-A.
Other names: short protein forms R763S.
Identifiers: ClinVar variation 821034 (VCV000821034.4), dbSNP rs369996457, ClinGen allele CA360954353.

ClinVar aggregate classification (germline): Uncertain significance (1 of 4 stars; one submission).

Conditions:
Hereditary cancer-predisposing syndrome. Also called: Neoplastic Syndromes, Hereditary; Tumor predisposition; Hereditary Cancer Syndrome; Hereditary neoplastic syndrome. Identifiers: Orphanet 140162, MedGen C0027672, MeSH D009386, MONDO:0015356.

Submission:

Ambry Genetics
Classification: Uncertain significance for Hereditary cancer-predisposing syndrome. Last evaluated: 2018-09-07. Review status: criteria provided, single submitter. Criteria: Ambry Variant Classification Scheme 2023. Collection method: clinical testing. Allele origin: germline.
Comment: The p.R763S variant (also known as c.2287C>A), located in coding exon 14 of the RAD50 gene, results from a C to A substitution at nucleotide position 2287. The arginine at codon 763 is replaced by serine, an amino acid with dissimilar properties. This amino acid position is well conserved in available vertebrate species. In addition, this alteration is predicted to be tolerated by in silico analysis. Since supporting evidence is limited at this time, the clinical significance of this alteration remains unclear.